The following is an entry in ClinVar:

NM_182961.4(SYNE1):c.3506A>T (p.Glu1169Val)

Gene: SYNE1 (spectrin repeat containing nuclear envelope protein 1; minus strand). Cytogenetic location: 6q25.2.
Variant type: single nucleotide variant.
Coding change: c.3506A>T on transcript NM_182961.4 (MANE Select); coding-DNA position 3506, A replaced by T.
Protein change: p.Glu1169Val; replaces glutamic acid 1169 with valine.
Molecular consequence: missense variant.
Genome position (GRCh38, 1-based): chr6:152,447,621, T>A on the plus strand (A>T on the coding strand, the complement: SYNE1 is on the minus strand). VCF-style: chr6-152447621-T-A. GRCh37 (hg19) VCF-style: chr6-152768756-T-A.
Other names: c.3527A>T, p.Glu1176Val (NM_033071.5); short protein forms E1169V, E1176V.
Identifiers: ClinVar variation 283391 (VCV000283391.17), dbSNP rs750101869, ClinGen allele CA4058808.

ClinVar aggregate classification (germline): Uncertain significance. Review status: criteria provided, multiple submitters, no conflicts (2 of 4 stars). 5 submissions from 5 submitters: Uncertain significance (5). Last evaluated 2026-01-22.

Conditions:
Arthrogryposis multiplex congenita 3, myogenic type. Also called: ARTHROGRYPOSIS MULTIPLEX CONGENITA, MYOGENIC TYPE. Identifiers: MedGen C5193121, MONDO:0032778, OMIM 618484.
Autosomal recessive ataxia, Beauce type. Also called: Spinocerebellar ataxia, autosomal recessive 8; ATAXIA, RECESSIVE, OF BEAUCE; SYNE1-Related Autosomal Recessive Cerebellar Ataxia; SYNE1 Deficiency. Identifiers: Orphanet 88644, MedGen C1853116, MONDO:0012549, OMIM 610743.
Emery-Dreifuss muscular dystrophy 4, autosomal dominant (EDMD4). Also called: EMERY-DREIFUSS MUSCULAR DYSTROPHY 4 WITH VARIABLE FEATURES. Identifiers: Orphanet 261, MedGen C2751807, MONDO:0013071, OMIM 612998.

Allele frequency attached by ClinVar (database versions not stated): gnomAD 0.00001; TOPMed 0.00004; gnomAD exomes 0.00006 and 0.00013; ExAC 0.00009.
gnomAD v4.1: 37 of 1,614,030 alleles (0.0023%); highest among the groups gnomAD compares: Admixed American, 0.062%; no homozygotes.

Submissions (5):

GeneDx
Classification: Uncertain significance. Last evaluated: 2026-01-22. Review status: criteria provided, single submitter. Criteria: GeneDx Variant Classification Process June 2021. Collection method: clinical testing. Allele origin: germline. Affected: yes.
Comment: In silico analysis supports that this missense variant has a deleterious effect on protein structure/function; Has not been previously published as pathogenic or benign to our knowledge

Labcorp Genetics (formerly Invitae), Labcorp
Classification: Uncertain significance for Emery-Dreifuss muscular dystrophy 4, autosomal dominant; Autosomal recessive ataxia, Beauce type. Last evaluated: 2025-01-02. Review status: criteria provided, single submitter. Criteria: Invitae Variant Classification Sherloc (09022015). Collection method: clinical testing. Allele origin: germline.
Comment: This sequence change replaces glutamic acid, which is acidic and polar, with valine, which is neutral and non-polar, at codon 1176 of the SYNE1 protein (p.Glu1176Val). This variant is present in population databases (rs750101869, gnomAD 0.1%). This variant has not been reported in the literature in individuals affected with SYNE1-related conditions. ClinVar contains an entry for this variant (Variation ID: 283391). An algorithm developed to predict the effect of missense changes on protein structure and function (PolyPhen-2) suggests that this variant¬¨‚Ä†is likely to be tolerated. In summary, the available evidence is currently insufficient to determine the role of this variant in disease. Therefore, it has been classified as a Variant of Uncertain Significance.

Revvity Omics, Revvity
Classification: Uncertain significance. Last evaluated: 2021-06-28. Review status: criteria provided, single submitter. Criteria: ACMG Guidelines, 2015. Collection method: clinical testing. Allele origin: germline.

Baylor Genetics
Classification: Uncertain significance for Arthrogryposis multiplex congenita 3, myogenic type. Last evaluated: 2021-03-10. Review status: criteria provided, single submitter. Criteria: ACMG Guidelines, 2015. Collection method: clinical testing. Allele origin: unknown.

Eurofins Ntd Llc (ga)
Classification: Uncertain significance. Last evaluated: 2015-09-15. Review status: criteria provided, single submitter. Criteria: EGL Classification Definitions 2015. Collection method: clinical testing. Allele origin: germline. Observed: 2 variant alleles, 2 heterozygotes.